The following is an entry in ClinVar:

ClinVar aggregate classification (germline): Uncertain significance. Review status: criteria provided, single submitter (1 of 4 stars). 2 submissions from 2 submitters: Uncertain significance (1). 1 of the submissions does not count toward it. Last evaluated 2024-12-08.

Conditions:
CHD7-related disorder. Also called: CHD7-related condition.
CHARGE syndrome (CHARGE). Also called: Hittner Hirsch Kreh syndrome; CHARGE ASSOCIATION--COLOBOMA, HEART ANOMALY, CHOANAL ATRESIA, RETARDATION, GENITAL AND EAR ANOMALIES; Coloboma, heart anomaly, choanal atresia, retardation, genital and ear anomalies; CHARGE association; Hall-Hittner syndrome. Identifiers: Orphanet 138, MedGen C0265354, MONDO:0008965.

Submissions (2):

Labcorp Genetics (formerly Invitae), Labcorp
Classification: Uncertain significance for CHARGE syndrome. Last evaluated: 2024-12-08. Review status: criteria provided, single submitter. Criteria: Invitae Variant Classification Sherloc (09022015). Collection method: clinical testing. Allele origin: germline.
Comment: This sequence change replaces proline, which is neutral and non-polar, with serine, which is neutral and polar, at codon 280 of the CHD7 protein (p.Pro280Ser). This variant is not present in population databases (gnomAD no frequency). This variant has not been reported in the literature in individuals affected with CHD7-related conditions. ClinVar contains an entry for this variant (Variation ID: 2417601). Invitae Evidence Modeling of protein sequence and biophysical properties (such as structural, functional, and spatial information, amino acid conservation, physicochemical variation, residue mobility, and thermodynamic stability) indicates that this missense variant is not expected to disrupt CHD7 protein function with a negative predictive value of 95%. In summary, the available evidence is currently insufficient to determine the role of this variant in disease. Therefore, it has been classified as a Variant of Uncertain Significance.

PreventionGenetics, part of Exact Sciences
Classification: Uncertain significance for CHD7-related condition. Last evaluated: 2024-02-22. Review status: no assertion criteria provided. Collection method: clinical testing. Allele origin: germline. Not counted in ClinVar's aggregate classification.
Comment: The CHD7 c.838C>T variant is predicted to result in the amino acid substitution p.Pro280Ser. To our knowledge, this variant has not been reported in the literature or in a large population database, indicating this variant is rare. At this time, the clinical significance of this variant is uncertain due to the absence of conclusive functional and genetic evidence.

NM_017780.4(CHD7):c.838C>T (p.Pro280Ser)

Gene: CHD7 (chromodomain helicase DNA binding protein 7; plus strand). Cytogenetic location: 8q12.2.
Variant type: single nucleotide variant.
Coding change: c.838C>T on transcript NM_017780.4 (MANE Select); coding-DNA position 838, C replaced by T.
Protein change: p.Pro280Ser; replaces proline 280 with serine.
Molecular consequence: missense variant.
Genome position (GRCh38, 1-based): chr8:60,742,270, C>T. VCF-style: chr8-60742270-C-T. GRCh37 (hg19) VCF-style: chr8-61654829-C-T.
Other names: c.838C>T, p.Pro280Ser (NM_001316690.1); c.838C>T (NM_017780.3); short protein forms P280S.
Identifiers: ClinVar variation 2417601 (VCV002417601.8), dbSNP rs2487271378, ClinGen allele CA371299676.
Genomic context (GRCh38, chr8:60,742,270, plus strand): 5'-CCCTCTACTGCTCTCCATGGAGAATCCGTTGCCCACAGTCCCAGATTCTCCCCGAATCCT[C>T]CCCAACAAGGGGCTGTTAGGCCGCAAACCCTTAACTTTAGTTCTCGGAGCCAGACAGTCC-3'
Protein context (NP_060250.2, residues 270-290): AHSPRFSPNP[Pro280Ser]QQGAVRPQTL